The following is an entry in ClinVar:

ClinVar aggregate classification (germline): Uncertain significance. Review status: criteria provided, single submitter (1 of 4 stars). 2 submissions from 2 submitters: Uncertain significance (1). 1 of the submissions does not count toward it. Last evaluated 2018-07-12.

Conditions:
Glycine encephalopathy. Also called: Non-ketotic hyperglycinemia; Nonketotic hyperglycinemia. Identifiers: Orphanet 407, MedGen C0751748, MONDO:0011612, HP:0008288.

Allele frequency attached by ClinVar (database versions not stated): gnomAD exomes below 0.00001 and 0.00001; ExAC 0.00001.
gnomAD v4.1: 8 of 1,613,558 alleles (0.0005%); highest among the groups gnomAD compares: Non-Finnish European, 0.00068%; no homozygotes.

Submissions (2):

Labcorp Genetics (formerly Invitae), Labcorp
Classification: Uncertain significance for Glycine encephalopathy. Last evaluated: 2018-07-12. Review status: criteria provided, single submitter. Criteria: Invitae Variant Classification Sherloc (09022015). Collection method: clinical testing. Allele origin: germline.
Comment: This sequence change falls in intron 3 of the AMT gene. It does not directly change the encoded amino acid sequence of the AMT protein, but it affects a nucleotide within the consensus splice site of the intron. This variant is present in population databases (rs752570901, ExAC 0.001%). This variant has not been reported in the literature in individuals with AMT-related disease. Nucleotide substitutions within the consensus splice site are a relatively common cause of aberrant splicing (PMID: 17576681, 9536098). Algorithms developed to predict the effect of sequence changes on RNA splicing suggest that this variant may disrupt the consensus splice site, but this prediction has not been confirmed by published transcriptional studies. In summary, the available evidence is currently insufficient to determine the role of this variant in disease. Therefore, it has been classified as a Variant of Uncertain Significance.

Natera, Inc.
Classification: Uncertain significance for Non-ketotic hyperglycinemia. Last evaluated: 2020-09-16. Review status: no assertion criteria provided. Collection method: clinical testing. Allele origin: germline. Not counted in ClinVar's aggregate classification.

Literature cited by the submitters: PubMed 17576681 (cited by Labcorp Genetics (formerly Invitae), Labcorp); PubMed 9536098 (cited by Labcorp Genetics (formerly Invitae), Labcorp).

NM_000481.4(AMT):c.339+3G>T

Gene: AMT (aminomethyltransferase; minus strand). Cytogenetic location: 3p21.31.
Variant type: single nucleotide variant.
Coding change: c.339+3G>T on transcript NM_000481.4 (MANE Select); 3 bases into the intron after coding-DNA position 339, G replaced by T.
Molecular consequence: intron variant.
Genome position (GRCh38, 1-based): chr3:49,421,489, C>A on the plus strand (G>T on the coding strand, the complement: AMT is on the minus strand). VCF-style: chr3-49421489-C-A. GRCh37 (hg19) VCF-style: chr3-49458922-C-A.
Other names: c.171+3G>T (NM_001164711.2); c.339+3G>T (NM_001164710.2, NM_001164712.2).
Identifiers: ClinVar variation 638882 (VCV000638882.4), dbSNP rs752570901, ClinGen allele CA2398408.
Genomic context (GRCh38, chr3:49,421,489, plus strand): 5'-GACTCAGCCCATTTGCTGGCTCATGACTAAGAAAACTCATAGAGCAGAAATAAAAGGGCC[C>A]ACCTGGTTTGGTCTTAGCTCTGCAATGTCTCCAACCACTAGACTCTCCATCAGCTTCACC-3'